The following is an entry in ClinVar:

NM_001142800.2(EYS):c.7564G>T (p.Glu2522Ter)

Gene: EYS (EGF-like photoreceptor maintenance factor; minus strand). Cytogenetic location: 6q12.
Variant type: single nucleotide variant.
Coding change: c.7564G>T on transcript NM_001142800.2 (MANE Select); coding-DNA position 7564, G replaced by T.
Protein change: p.Glu2522Ter; replaces glutamic acid 2522 with a stop codon.
Molecular consequence: nonsense.
Genome position (GRCh38, 1-based): chr6:63,789,072, C>A on the plus strand (G>T on the coding strand, the complement: EYS is on the minus strand). VCF-style: chr6-63789072-C-A. GRCh37 (hg19) VCF-style: chr6-64498965-C-A.
Other names: c.7564G>T, p.Glu2522Ter (NM_001292009.2); short protein forms E2522*.
Identifiers: ClinVar variation 5013017 (VCV005013017.1).

ClinVar aggregate classification (germline): Pathogenic (1 of 4 stars; one submission).

Conditions:
Retinitis pigmentosa 25 (RP25). Identifiers: Orphanet 791, MedGen C1864446, MONDO:0011272, OMIM 602772.

Submission:

Myriad Genetics, Inc.
Classification: Pathogenic for Retinitis pigmentosa 25. Last evaluated: 2024-05-08. Review status: criteria provided, single submitter. Criteria: Myriad Autosomal Dominant, Autosomal Recessive and X-Linked Classification Criteria (2023). Collection method: clinical testing. Allele origin: unknown.
Comment: NM_001142800.1(EYS):c.7564G>T(E2522*) is expected to be pathogenic in the context of retinitis pigmentosa, EYS-related. This variant is predicted to lead to an abnormal or absent protein product due to the creation of a premature termination codon in EYS, a gene where loss-of-function variants are known to be pathogenic. Please note: this variant was assessed in the context of healthy population screening.